The following is an entry in ClinVar:

NM_000222.3(KIT):c.1232-9T>C

Gene: KIT (KIT proto-oncogene, receptor tyrosine kinase; plus strand). Cytogenetic location: 4q12.
Variant type: single nucleotide variant.
Coding change: c.1232-9T>C on transcript NM_000222.3 (MANE Select); 9 bases into the intron before coding-DNA position 1232, T replaced by C.
Molecular consequence: intron variant.
Genome position (GRCh38, 1-based): chr4:54,723,575, T>C. VCF-style: chr4-54723575-T-C. GRCh37 (hg19) VCF-style: chr4-55589741-T-C.
Other names: c.1235-9T>C (NM_001385284.1, NM_001385290.1, NM_001385288.1 and 1 more transcripts); c.1232-9T>C (NM_001385285.1, NM_001093772.2, NM_001385286.1).
Identifiers: ClinVar variation 1091354 (VCV001091354.10), dbSNP rs2109760251, ClinGen allele CA2499217256.

ClinVar aggregate classification (germline): Likely benign. Review status: criteria provided, multiple submitters, no conflicts (2 of 4 stars). 2 submissions from 2 submitters: Likely benign (2). Last evaluated 2026-05-27.

Conditions:
Gastrointestinal stromal tumor. Also called: Gastrointestinal stroma tumor; Gastrointestinal stromal tumor, somatic. Identifiers: Orphanet 44890, MedGen C0238198, MeSH D046152, MONDO:0011719, OMIM 606764, HP:0100723.

Allele frequency attached by ClinVar (database versions not stated): gnomAD exomes below 0.00001.
gnomAD v4.1: 2 of 1,599,894 alleles (0.00013%); highest among the groups gnomAD compares: Non-Finnish European, 0.00017%; no homozygotes.

Submissions (2):

Myriad Genetics, Inc.
Classification: Likely benign for Gastrointestinal stromal tumor. Last evaluated: 2026-05-27. Review status: criteria provided, single submitter. Criteria: Myriad Autosomal Dominant, Autosomal Recessive and X-Linked Classification Criteria (2023). Collection method: clinical testing. Allele origin: unknown.
Comment: This variant is considered likely benign. This variant is intronic and is not expected to impact mRNA splicing.

Labcorp Genetics (formerly Invitae), Labcorp
Classification: Likely benign for Gastrointestinal stromal tumor. Last evaluated: 2023-06-04. Review status: criteria provided, single submitter. Criteria: Invitae Variant Classification Sherloc (09022015). Collection method: clinical testing. Allele origin: germline.